The following is an entry in ClinVar:

NM_000116.5(TAFAZZIN):c.383T>C (p.Phe128Ser)

Gene: TAFAZZIN (tafazzin, phospholipid-lysophospholipid transacylase; plus strand). Cytogenetic location: Xq28.
Variant type: single nucleotide variant.
Coding change: c.383T>C on transcript NM_000116.5 (MANE Select); coding-DNA position 383, T replaced by C.
Protein change: p.Phe128Ser; replaces phenylalanine 128 with serine.
Molecular consequence: missense variant. On other transcripts: intron variant (2).
Genome position (GRCh38, 1-based): chrX:154,414,113, T>C. VCF-style: chrX-154414113-T-C. GRCh37 (hg19) VCF-style: chrX-153642450-T-C.
Other names: p.F128S:TTC>TCC; c.437T>C, p.Phe146Ser (NM_001303465.2); c.383T>C, p.Phe128Ser (NM_181312.4); c.370+546T>C (NM_181311.4, NM_181313.4); short protein forms F128S, F146S.
Identifiers: ClinVar variation 42259 (VCV000042259.37), dbSNP rs146934311, ClinGen allele CA282148.

ClinVar aggregate classification (germline): Benign/Likely benign. Review status: criteria provided, multiple submitters, no conflicts (2 of 4 stars). 17 submissions from 15 submitters: Benign (9); Likely benign (4). 4 of the submissions do not count toward it. Last evaluated 2026-02-03.

Conditions:
Cardiovascular phenotype. Identifiers: MedGen CN230736.
Endocardial fibroelastosis (EFE). Identifiers: Orphanet 2022, MedGen C0014117, MONDO:0009169, OMIM 226000, HP:0001706.
3-Methylglutaconic aciduria type 2 (BTHS). Also called: Barth syndrome; CARDIOSKELETAL MYOPATHY WITH NEUTROPENIA AND ABNORMAL MITOCHONDRIA. Identifiers: Orphanet 111, MedGen C0574083, MONDO:0010543, OMIM 302060.
Primary dilated cardiomyopathy (DCM). Also called: Dilated Cardiomyopathy. Identifiers: Orphanet 217604, MedGen C0007193, MeSH D002311, MONDO:0005021, HP:0001644. Inheritance: Various modes of inheritance.

Allele frequency attached by ClinVar (database versions not stated): 1000 Genomes Project 30x 0.01748; TOPMed 0.01907; ESP Exome Variant Server 0.01913; gnomAD exomes 0.00164 and 0.00457; ExAC 0.00660; gnomAD 0.01627 and 0.01744; 1000 Genomes Project 0.01642.
gnomAD v4.1: 3,664 of 1,204,023 alleles (0.3%); highest among the groups gnomAD compares: African/African-American, 5.8%; 64 homozygotes.

Submissions (17):

Labcorp Genetics (formerly Invitae), Labcorp
Classification: Benign for 3-Methylglutaconic aciduria type 2. Last evaluated: 2026-02-03. Review status: criteria provided, single submitter. Criteria: Invitae Variant Classification Sherloc (09022015). Collection method: clinical testing. Allele origin: germline.

ARUP Laboratories, Molecular Genetics and Genomics, ARUP Laboratories
Classification: Benign. Last evaluated: 2025-04-08. Review status: criteria provided, single submitter. Criteria: ARUP Molecular Germline Variant Investigation Process 2024. Collection method: clinical testing. Allele origin: germline.

Mayo Clinic Laboratories, Mayo Clinic
Classification: Benign. Last evaluated: 2024-09-03. Review status: criteria provided, single submitter. Criteria: ACMG Guidelines, 2015. Collection method: clinical testing. Allele origin: germline. Observed: 58 variant alleles.
Comment: BA1

Mendelics
Classification: Benign for 3-Methylglutaconic aciduria type 2. Last evaluated: 2019-05-28. Review status: criteria provided, single submitter. Criteria: Mendelics Assertion Criteria 2017. Collection method: clinical testing. Allele origin: unknown.

GeneDx
Classification: Benign. Last evaluated: 2018-12-04. Review status: criteria provided, single submitter. Criteria: GeneDx Variant Classification Process June 2021. Collection method: clinical testing. Allele origin: germline. Affected: yes.
Comment: This variant is associated with the following publications: (PMID: 27884173, 19700766, 24342716, 19438153, 20530761)

Illumina Laboratory Services, Illumina
Classification: Likely benign for Endocardial fibroelastosis. Last evaluated: 2017-04-28. Review status: criteria provided, single submitter. Criteria: ICSL Variant Classification Criteria 13 December 2019. Collection method: clinical testing. Allele origin: germline.
Comment: This variant was observed as part of a predisposition screen in an ostensibly healthy population. A literature search was performed for the gene, cDNA change, and amino acid change (where applicable). Publications were found based on this search. The evidence from the literature, in combination with allele frequency data from public databases where available, was sufficient to determine this variant is unlikely to cause disease. Therefore, this variant is classified as likely benign.

Illumina Laboratory Services, Illumina
Classification: Likely benign for 3-Methylglutaconic aciduria type 2. Last evaluated: 2017-04-28. Review status: criteria provided, single submitter. Criteria: ICSL Variant Classification Criteria 13 December 2019. Collection method: clinical testing. Allele origin: germline.
Comment: This variant was observed as part of a predisposition screen in an ostensibly healthy population. A literature search was performed for the gene, cDNA change, and amino acid change (where applicable). No publications were found based on this search. Allele frequency data from public databases allowed determination this variant is unlikely to cause disease. Therefore, this variant is classified as likely benign.

Illumina Laboratory Services, Illumina
Classification: Likely benign for Primary dilated cardiomyopathy. Last evaluated: 2017-04-28. Review status: criteria provided, single submitter. Criteria: ICSL Variant Classification Criteria 13 December 2019. Collection method: clinical testing. Allele origin: germline.
Comment: the same text as in the submission from Illumina Laboratory Services, Illumina above.

Ambry Genetics
Classification: Benign for Cardiovascular phenotype. Last evaluated: 2015-11-11. Review status: criteria provided, single submitter. Criteria: Ambry Variant Classification Scheme 2023. Collection method: clinical testing. Allele origin: germline.

Center for Pediatric Genomic Medicine, Children's Mercy Hospital and Clinics
Classification: Benign. Last evaluated: 2015-06-04. Review status: criteria provided, single submitter. Criteria: ACMG Guidelines, 2015. Collection method: clinical testing. Allele origin: germline.

Eurofins Ntd Llc (ga)
Classification: Benign. Last evaluated: 2015-04-09. Review status: criteria provided, single submitter. Criteria: EGL Classification Definitions 2015. Collection method: clinical testing. Allele origin: germline. Observed: 2 variant alleles, 2 heterozygotes.

Laboratory for Molecular Medicine, Mass General Brigham Personalized Medicine
Classification: Benign. Last evaluated: 2012-04-12. Review status: criteria provided, single submitter. Criteria: LMM Criteria. Collection method: clinical testing. Allele origin: germline. Observed: 36 variant alleles.
Comment: Phe128Ser in exon 5 of TAZ: This variant is not expected to have clinical signif icance because it has been identified in 5.1% (165/3215) of African American chr omosomes from a broad population by the NHLBI Exome Sequencing Project (dbSNP rs146934311).

Breakthrough Genomics
Classification: Likely benign. Review status: criteria provided, single submitter. Criteria: ACMG Guidelines, 2015. Collection method: not provided. Allele origin: germline. Inheritance: X-linked inheritance. Affected: yes.

Clinical Genetics DNA and cytogenetics Diagnostics Lab, Erasmus MC, Erasmus Medical Center
Classification: Benign. Review status: no assertion criteria provided. Collection method: clinical testing. Allele origin: germline. Affected: yes. Study: VKGL Data-share Consensus. Not counted in ClinVar's aggregate classification.

Clinical Genetics, Academic Medical Center
Classification: Benign. Review status: no assertion criteria provided. Collection method: clinical testing. Allele origin: germline. Affected: yes. Study: VKGL Data-share Consensus. Not counted in ClinVar's aggregate classification.

Genome Diagnostics Laboratory, University Medical Center Utrecht
Classification: Likely benign. Review status: no assertion criteria provided. Collection method: clinical testing. Allele origin: germline. Affected: yes. Study: VKGL Data-share Consensus. Not counted in ClinVar's aggregate classification.

Joint Genome Diagnostic Labs from Nijmegen and Maastricht, Radboudumc and MUMC+
Classification: Benign. Review status: no assertion criteria provided. Collection method: clinical testing. Allele origin: germline. Affected: yes. Study: VKGL Data-share Consensus. Not counted in ClinVar's aggregate classification.

Literature cited by the submitters: PubMed 24342716 (cited by Mayo Clinic Laboratories, Mayo Clinic and Illumina Laboratory Services, Illumina); PubMed 25941633 (cited by Mayo Clinic Laboratories, Mayo Clinic and Illumina Laboratory Services, Illumina); PubMed 19438153 (cited by Laboratory for Molecular Medicine, Mass General Brigham Personalized Medicine); PubMed 20530761 (cited by Laboratory for Molecular Medicine, Mass General Brigham Personalized Medicine); PubMed 19700766 (cited by Laboratory for Molecular Medicine, Mass General Brigham Personalized Medicine).